The following is an entry in ClinVar:

NM_001844.5(COL2A1):c.2347G>A (p.Gly783Ser)

Gene: COL2A1 (collagen type II alpha 1 chain; minus strand). Cytogenetic location: 12q13.11.
Variant type: single nucleotide variant.
Coding change: c.2347G>A on transcript NM_001844.5 (MANE Select); coding-DNA position 2347, G replaced by A.
Protein change: p.Gly783Ser; replaces glycine 783 with serine.
Molecular consequence: missense variant.
Genome position (GRCh38, 1-based): chr12:47,982,115, C>T on the plus strand (G>A on the coding strand, the complement: COL2A1 is on the minus strand). VCF-style: chr12-47982115-C-T. GRCh37 (hg19) VCF-style: chr12-48375898-C-T.
Other names: c.2140G>A, p.Gly714Ser (NM_033150.3); short protein forms G714S, G783S.
Identifiers: ClinVar variation 1700790 (VCV001700790.3), dbSNP rs2136546628, ClinGen allele CA384545636.

ClinVar aggregate classification (germline): Conflicting classifications of pathogenicity. Review status: criteria provided, conflicting classifications (1 of 4 stars). 2 submissions from 2 submitters: Pathogenic (1); Uncertain significance (1). Last evaluated 2025-06-09.

Submissions (2):

Labcorp Genetics (formerly Invitae), Labcorp
Classification: Uncertain significance. Last evaluated: 2025-06-09. Review status: criteria provided, single submitter. Criteria: Invitae Variant Classification Sherloc (09022015). Collection method: clinical testing. Allele origin: germline.
Comment: This sequence change replaces glycine, which is neutral and non-polar, with serine, which is neutral and polar, at codon 783 of the COL2A1 protein (p.Gly783Ser). This variant is not present in population databases (gnomAD no frequency). This variant has not been reported in the literature in individuals affected with COL2A1-related conditions. ClinVar contains an entry for this variant (Variation ID: 1700790). Invitae Evidence Modeling of protein sequence and biophysical properties (such as structural, functional, and spatial information, amino acid conservation, physicochemical variation, residue mobility, and thermodynamic stability) indicates that this missense variant is expected to disrupt COL2A1 protein function with a positive predictive value of 95%. In summary, the available evidence is currently insufficient to determine the role of this variant in disease. Therefore, it has been classified as a Variant of Uncertain Significance.

GeneDx
Classification: Pathogenic. Last evaluated: 2022-08-11. Review status: criteria provided, single submitter. Criteria: GeneDx Variant Classification Process June 2021. Collection method: clinical testing. Allele origin: germline. Affected: yes.
Comment: Occurs in the triple helical domain and replaces the glycine in the canonical GlyX-Y repeat; missense substitution of a canonical glycine residue is expected to disrupt normal protein folding and function, and this is an established mechanism of disease (HGMD); Not observed in large population cohorts (gnomAD); Has not been previously published as pathogenic or benign to our knowledge